The following is an entry in ClinVar:

ClinVar aggregate classification (germline): Uncertain significance. Review status: criteria provided, multiple submitters, no conflicts (2 of 4 stars). 4 submissions from 4 submitters: Uncertain significance (4). Last evaluated 2024-05-14.

Conditions:
Ullrich congenital muscular dystrophy 1A. Also called: Ullrich congenital muscular dystrophy 1; Intermediate COL6-RD. Identifiers: Orphanet 75840, MedGen C0410179, MONDO:0009681, OMIM 254090.
Bethlem myopathy 1A. Also called: MYOPATHY, BENIGN CONGENITAL, WITH CONTRACTURES; Bethlem myopathy 1; Bethlem Muscular Dystrophy. Identifiers: Orphanet 610, MedGen CN029274, MONDO:0024530, OMIM 158810.

Allele frequency attached by ClinVar (database versions not stated): gnomAD exomes below 0.00001; TOPMed below 0.00001; gnomAD 0.00001.
gnomAD v4.1: 6 of 1,614,114 alleles (0.00037%); highest among the groups gnomAD compares: South Asian, 0.0022%; no homozygotes.

Submissions (4):

Blueprint Genetics
Classification: Uncertain significance. Last evaluated: 2024-05-14. Review status: criteria provided, single submitter. Criteria: ACMG Guidelines, 2015. Collection method: clinical testing. Allele origin: germline.

3billion
Classification: Uncertain significance for Ullrich congenital muscular dystrophy 1A. Last evaluated: 2024-03-08. Review status: criteria provided, single submitter. Criteria: ACMG Guidelines, 2015. Collection method: clinical testing. Allele origin: germline. Affected: yes.
Comment: The variant is not observed in the gnomAD v2.1.1 dataset. Predicted Consequence/Location: Synonymous variant In silico tools predict the variant to alter splicing and produce an abnormal transcript [SpliceAI: 0.34 (>=0.2, moderate evidence for spliceogenicity)]. Therefore, this variant is classified as VUS according to the recommendation of ACMG/AMP guideline.

Labcorp Genetics (formerly Invitae), Labcorp
Classification: Uncertain significance for Bethlem myopathy 1A. Last evaluated: 2023-09-27. Review status: criteria provided, single submitter. Criteria: Invitae Variant Classification Sherloc (09022015). Collection method: clinical testing. Allele origin: germline.
Comment: In summary, the available evidence is currently insufficient to determine the role of this variant in disease. Therefore, it has been classified as a Variant of Uncertain Significance. Algorithms developed to predict the effect of sequence changes on RNA splicing suggest that this variant may create or strengthen a splice site. ClinVar contains an entry for this variant (Variation ID: 285672). This variant has not been reported in the literature in individuals affected with COL6A3-related conditions. This variant is not present in population databases (gnomAD no frequency). This sequence change affects codon 1751 of the COL6A3 mRNA. It is a 'silent' change, meaning that it does not change the encoded amino acid sequence of the COL6A3 protein.

Eurofins Ntd Llc (ga)
Classification: Uncertain significance. Last evaluated: 2016-02-15. Review status: criteria provided, single submitter. Criteria: EGL Classification Definitions 2015. Collection method: clinical testing. Allele origin: germline. Observed: 1 variant allele, 1 heterozygote.

NM_004369.4(COL6A3):c.5253G>A (p.Thr1751=)

Gene: COL6A3 (collagen type VI alpha 3 chain; minus strand). Cytogenetic location: 2q37.3.
Variant type: single nucleotide variant.
Coding change: c.5253G>A on transcript NM_004369.4 (MANE Select); coding-DNA position 5253, G replaced by A.
Protein change: p.Thr1751=; no amino-acid change (threonine 1751 retained).
Molecular consequence: synonymous variant.
Genome position (GRCh38, 1-based): chr2:237,366,934, C>T on the plus strand (G>A on the coding strand, the complement: COL6A3 is on the minus strand). VCF-style: chr2-237366934-C-T. GRCh37 (hg19) VCF-style: chr2-238275577-C-T.
Other names: c.3432G>A, p.Thr1144= (NM_057166.5); c.4635G>A, p.Thr1545= (NM_057167.4).
Identifiers: ClinVar variation 285672 (VCV000285672.9), dbSNP rs886043174, ClinGen allele CA10605201.